The following is an entry in ClinVar:

ClinVar aggregate classification (germline): Uncertain significance. Review status: criteria provided, multiple submitters, no conflicts (2 of 4 stars). 2 submissions from 2 submitters: Uncertain significance (2). Last evaluated 2026-02-27.

Conditions:
Inborn genetic diseases. Identifiers: MedGen C0950123, MeSH D030342.
Mosaic variegated aneuploidy syndrome 1 (MVA1). Also called: Warburton-Anyane-Yeboa syndrome. Identifiers: Orphanet 1052, MedGen C1850343, MONDO:0009759, OMIM 257300.

Allele frequency attached by ClinVar (database versions not stated): gnomAD exomes below 0.00001.
gnomAD v4.1: 3 of 1,613,554 alleles (0.00019%); highest among the groups gnomAD compares: Non-Finnish European, 0.00025%; no homozygotes.

Submissions (2):

Ambry Genetics
Classification: Uncertain significance for Inborn genetic diseases. Last evaluated: 2026-02-27. Review status: criteria provided, single submitter. Criteria: Ambry Variant Classification Scheme 2023. Collection method: clinical testing. Allele origin: germline.
Comment: The p.P360R variant (also known as c.1079C>G), located in coding exon 9 of the BUB1B gene, results from a C to G substitution at nucleotide position 1079. The proline at codon 360 is replaced by arginine, an amino acid with dissimilar properties. This amino acid position is conserved. In addition, the in silico prediction for this alteration is inconclusive. Based on the available evidence, the clinical significance of this variant remains unclear.

Labcorp Genetics (formerly Invitae), Labcorp
Classification: Uncertain significance for Mosaic variegated aneuploidy syndrome 1. Last evaluated: 2016-11-10. Review status: criteria provided, single submitter. Criteria: Invitae Variant Classification Sherloc (09022015). Collection method: clinical testing. Allele origin: germline.
Comment: In summary, this variant is a novel missense change with uncertain impact on protein function. It has been classified as a Variant of Uncertain Significance. Algorithms developed to predict the effect of missense changes on protein structure and function do not agree on the potential impact of this missense change (SIFT: "Deleterious"; PolyPhen-2: "Probably Damaging"; Align-GVGD: "Class C0"). This variant is not present in population databases (ExAC no frequency) and has not been reported in the literature in individuals with a BUB1B-related disease. This sequence change replaces proline with arginine at codon 360 of the BUB1B protein (p.Pro360Arg). The proline residue is highly conserved and there is a moderate physicochemical difference between proline and arginine.

NM_001211.6(BUB1B):c.1079C>G (p.Pro360Arg)

Gene: BUB1B (BUB1 mitotic checkpoint serine/threonine kinase B; plus strand). Cytogenetic location: 15q15.1.
Variant type: single nucleotide variant.
Coding change: c.1079C>G on transcript NM_001211.6 (MANE Select); coding-DNA position 1079, C replaced by G.
Protein change: p.Pro360Arg; replaces proline 360 with arginine.
Molecular consequence: missense variant.
Genome position (GRCh38, 1-based): chr15:40,196,565, C>G. VCF-style: chr15-40196565-C-G. GRCh37 (hg19) VCF-style: chr15-40488766-C-G.
Other names: short protein forms P360R.
Identifiers: ClinVar variation 403740 (VCV000403740.9), dbSNP rs1060499942, ClinGen allele CA16614360.